The following is an entry in ClinVar:

ClinVar aggregate classification (germline): Benign/Likely benign. Review status: criteria provided, multiple submitters, no conflicts (2 of 4 stars). 3 submissions from 3 submitters: Benign (1); Likely benign (2). Last evaluated 2026-04-29.

Conditions:
Inborn genetic diseases. Identifiers: MedGen C0950123, MeSH D030342.

Allele frequency attached by ClinVar (database versions not stated): gnomAD exomes 0.00002; TOPMed 0.00004; ExAC 0.00011.
gnomAD v4.1: 31 of 1,614,134 alleles (0.0019%); highest among the groups gnomAD compares: Admixed American, 0.05%; no homozygotes.

Submissions (3):

Women's Health and Genetics/Laboratory Corporation of America, LabCorp
Classification: Likely benign. Last evaluated: 2026-04-29. Review status: criteria provided, single submitter. Criteria: LabCorp Variant Classification Summary - May 2015. Collection method: clinical testing. Allele origin: germline.
Comment: Variant summary: KMT2C c.13046A>G (p.Asn4349Ser) results in a conservative amino acid change in the encoded protein sequence. Algorithms developed to predict the effect of missense changes on protein structure and function all suggest that this variant is likely to be tolerated. The variant allele was found at a frequency of 0.00012 in 251198 control chromosomes, predominantly at a frequency of 0.00087 within the Latino subpopulation in the gnomAD database. This frequency is not significantly higher than estimated for disease-causing variants in KMT2C, allowing no conclusion about variant significance. To our knowledge, no occurrence of c.13046A>G in individuals affected with KMT2C-related conditions and no experimental evidence demonstrating its impact on protein function have been reported. ClinVar contains an entry for this variant (Variation ID: 2203099). Based on the evidence outlined above, the variant was classified as likely benign.

Labcorp Genetics (formerly Invitae), Labcorp
Classification: Benign. Last evaluated: 2026-01-09. Review status: criteria provided, single submitter. Criteria: Invitae Variant Classification Sherloc (09022015). Collection method: clinical testing. Allele origin: germline.

Ambry Genetics
Classification: Likely benign for Inborn genetic diseases. Last evaluated: 2024-05-12. Review status: criteria provided, single submitter. Criteria: Ambry Variant Classification Scheme 2023. Collection method: clinical testing. Allele origin: germline.

NM_170606.3(KMT2C):c.13046A>G (p.Asn4349Ser)

Gene: KMT2C (lysine methyltransferase 2C; minus strand). Cytogenetic location: 7q36.1.
Variant type: single nucleotide variant.
Coding change: c.13046A>G on transcript NM_170606.3 (MANE Select); coding-DNA position 13046, A replaced by G.
Protein change: p.Asn4349Ser; replaces asparagine 4349 with serine.
Molecular consequence: missense variant.
Genome position (GRCh38, 1-based): chr7:152,148,881, T>C on the plus strand (A>G on the coding strand, the complement: KMT2C is on the minus strand). VCF-style: chr7-152148881-T-C. GRCh37 (hg19) VCF-style: chr7-151845966-T-C.
Other names: c.13046A>G (NM_170606.2); short protein forms N4349S.
Identifiers: ClinVar variation 2203099 (VCV002203099.6), dbSNP rs746094038, ClinGen allele CA4578678.